The following is an entry in ClinVar:

NM_000186.4(CFH):c.3566T>G (p.Leu1189Arg)

Gene: CFH (complement factor H; plus strand). Cytogenetic location: 1q31.3.
Variant type: single nucleotide variant.
Coding change: c.3566T>G on transcript NM_000186.4 (MANE Select); coding-DNA position 3566, T replaced by G.
Protein change: p.Leu1189Arg; replaces leucine 1189 with arginine.
Molecular consequence: missense variant.
Genome position (GRCh38, 1-based): chr1:196,747,183, T>G. VCF-style: chr1-196747183-T-G. GRCh37 (hg19) VCF-style: chr1-196716313-T-G.
Other names: CFH, LEU1189ARG (rs28929497); short protein forms L1189R.
Identifiers: ClinVar variation 16548 (VCV000016548.3), dbSNP rs121913055, ClinGen allele CA257503.

ClinVar aggregate classification (germline): Likely pathogenic. Review status: criteria provided, single submitter (1 of 4 stars). 2 submissions from 2 submitters: Likely pathogenic (1). 1 of the submissions does not count toward it. Last evaluated 2026-09-17.

Conditions:
Atypical hemolytic-uremic syndrome. Identifiers: Orphanet 2134, MedGen C2931788, MONDO:0016244.
Hemolytic uremic syndrome, atypical, susceptibility to, 1. Also called: AHUS, SUSCEPTIBILITY TO, 1. Identifiers: Orphanet 2134, Orphanet 90038, MedGen C2749604, MONDO:0009335, OMIM 235400. Disease mechanism: Other.

Submissions (2):

Genomenon, Inc
Classification: Likely pathogenic for Atypical hemolytic-uremic syndrome. Last evaluated: 2026-09-17. Review status: criteria provided, single submitter. Criteria: Genomenon Sequence Variant Interpretation Standards - Updated. Collection method: curation. Allele origin: germline. Affected: yes.
Comment: CFH p.Leu1189Arg (c.3566T>G) is a missense variant that changes the amino acid at codon 1189 from leucine to arginine. This variant has been observed in at least one proband affected with atypical hemolytic-uremic syndrome (PMID: 11170895). Functional studies have been reported (PMID: 19454698; 32793201; 27006390; 19351878; 25659429; 24344133). The presence of pathogenic/likely pathogenic missense variant(s) at the same amino acid position indicates that this residue is likely important for protein function. It is absent or not present at a significant frequency in gnomAD. In conclusion, we classify CFH p.Leu1189Arg (c.3566T>G) as a likely pathogenic variant.

OMIM
Classification: risk factor for HEMOLYTIC UREMIC SYNDROME, ATYPICAL, SUSCEPTIBILITY TO, 1. Last evaluated: 2001-02-01. Review status: no assertion criteria provided. Collection method: literature only. Allele origin: germline. Not counted in ClinVar's aggregate classification.

Literature cited by the submitters: PubMed 11170895 (cited by Genomenon, Inc and OMIM); PubMed 19454698 (cited by Genomenon, Inc); PubMed 32793201 (cited by Genomenon, Inc); PubMed 27006390 (cited by Genomenon, Inc); PubMed 19351878 (cited by Genomenon, Inc); PubMed 25659429 (cited by Genomenon, Inc); PubMed 24344133 (cited by Genomenon, Inc).